The following is an entry in ClinVar:

ClinVar aggregate classification (germline): Pathogenic (1 of 4 stars; one submission).

Submission:

GeneDx
Classification: Pathogenic. Last evaluated: 2023-06-21. Review status: criteria provided, single submitter. Criteria: GeneDx Variant Classification Process June 2021. Collection method: clinical testing. Allele origin: germline. Affected: yes.
Comment: Not observed at significant frequency in large population cohorts (gnomAD); In silico analysis supports that this missense variant has a deleterious effect on protein structure/function; In silico analysis is inconclusive as to whether the variant alters gene splicing. In the absence of RNA/functional studies, the actual effect of this sequence change is unknown.; This variant is associated with the following publications: (PMID: 35095415)

NM_001393504.1(MAST3):c.398C>T (p.Ser133Leu)

Genes: MAST3 (microtubule associated serine/threonine kinase 3; plus strand), LOC126862876 (BRD4-independent group 4 enhancer GRCh37_chr19:18232970-18234169; plus strand). Cytogenetic location: 19p13.11.
Variant type: single nucleotide variant.
Coding change: c.398C>T on transcript NM_001393504.1 (MANE Select); coding-DNA position 398, C replaced by T.
Protein change: p.Ser133Leu; replaces serine 133 with leucine.
Molecular consequence: missense variant.
Genome position (GRCh38, 1-based): chr19:18,122,750, C>T. VCF-style: chr19-18122750-C-T. GRCh37 (hg19) VCF-style: chr19-18233560-C-T.
Other names: c.422C>T, p.Ser141Leu (NM_001393501.1); c.401C>T, p.Ser134Leu (NM_001393502.1); c.398C>T, p.Ser133Leu (NM_001393503.1); c.395C>T, p.Ser132Leu (NM_001393505.1); c.350C>T, p.Ser117Leu (NM_001393506.1, NM_001393513.1); c.377C>T, p.Ser126Leu (NM_001393507.1); c.332C>T, p.Ser111Leu (NM_001393508.1, NM_001393516.1); c.329C>T, p.Ser110Leu (NM_001393509.1, NM_001393510.1, NM_001393512.1 and 2 more transcripts); and 4 more; short protein forms S103L, S104L, S109L, S110L, S111L, S117L, S126L, S132L.
Identifiers: ClinVar variation 3342723 (VCV003342723.1).